The following is an entry in ClinVar:

NM_002471.4(MYH6):c.210T>C (p.Thr70=)

Genes: MYH6 (myosin heavy chain 6; minus strand), LOC114827851 (VISTA enhancer hs2155; plus strand). Cytogenetic location: 14q11.2.
Variant type: single nucleotide variant.
Coding change: c.210T>C on transcript NM_002471.4 (MANE Select); coding-DNA position 210, T replaced by C.
Protein change: p.Thr70=; no amino-acid change (threonine 70 retained).
Molecular consequence: synonymous variant.
Genome position (GRCh38, 1-based): chr14:23,405,762, A>G on the plus strand (T>C on the coding strand, the complement: MYH6 is on the minus strand). VCF-style: chr14-23405762-A-G. GRCh37 (hg19) VCF-style: chr14-23874971-A-G.
Identifiers: ClinVar variation 414320 (VCV000414320.28), dbSNP rs147397431, ClinGen allele CA7116225.

ClinVar aggregate classification (germline): Conflicting classifications of pathogenicity. Review status: criteria provided, conflicting classifications (1 of 4 stars). 8 submissions from 8 submitters: Uncertain significance (1); Benign (2); Likely benign (2). 3 of the submissions do not count toward it. Last evaluated 2026-01-26.

Conditions:
Hypertrophic cardiomyopathy 14. Identifiers: MedGen C2750467, MONDO:0013197, OMIM 613251.
MYH6-related disorder. Also called: MYH6-related condition; MYH6-Related Disorders.
Cardiovascular phenotype. Identifiers: MedGen CN230736.

Allele frequency attached by ClinVar (database versions not stated): gnomAD exomes 0.00007 and 0.00018; 1000 Genomes Project 30x 0.00016; 1000 Genomes Project 0.00020; ExAC 0.00021; ESP Exome Variant Server 0.00038; gnomAD 0.00038 and 0.00041; TOPMed 0.00042.

Submissions (8):

Labcorp Genetics (formerly Invitae), Labcorp
Classification: Benign for Hypertrophic cardiomyopathy 14. Last evaluated: 2026-01-26. Review status: criteria provided, single submitter. Criteria: Invitae Variant Classification Sherloc (09022015). Collection method: clinical testing. Allele origin: germline.

Women's Health and Genetics/Laboratory Corporation of America, LabCorp
Classification: Benign. Last evaluated: 2023-08-19. Review status: criteria provided, single submitter. Criteria: LabCorp Variant Classification Summary - May 2015. Collection method: clinical testing. Allele origin: germline.

GeneDx
Classification: Likely benign. Last evaluated: 2018-05-21. Review status: criteria provided, single submitter. Criteria: GeneDx Variant Classification (06012015). Collection method: clinical testing. Allele origin: germline. Affected: yes.
Comment: This variant is considered likely benign or benign based on one or more of the following criteria: it is a conservative change, it occurs at a poorly conserved position in the protein, it is predicted to be benign by multiple in silico algorithms, and/or has population frequency not consistent with disease.

Eurofins Ntd Llc (ga)
Classification: Uncertain significance. Last evaluated: 2017-01-16. Review status: criteria provided, single submitter. Criteria: EGL Classification Definitions 2015. Collection method: clinical testing. Allele origin: germline. Observed: 1 variant allele, 1 heterozygote.

Ambry Genetics
Classification: Likely benign for Cardiovascular phenotype. Last evaluated: 2016-06-28. Review status: criteria provided, single submitter. Criteria: Ambry Variant Classification Scheme 2023. Collection method: clinical testing. Allele origin: germline.

PreventionGenetics, part of Exact Sciences
Classification: Likely benign for MYH6-related condition. Last evaluated: 2022-07-15. Review status: no assertion criteria provided. Collection method: clinical testing. Allele origin: germline. Not counted in ClinVar's aggregate classification.
Comment: This variant is classified as likely benign based on ACMG/AMP sequence variant interpretation guidelines (Richards et al. 2015 PMID: 25741868, with internal and published modifications).

Clinical Genetics, Academic Medical Center
Classification: Benign. Review status: no assertion criteria provided. Collection method: clinical testing. Allele origin: germline. Affected: yes. Study: VKGL Data-share Consensus. Not counted in ClinVar's aggregate classification.

Joint Genome Diagnostic Labs from Nijmegen and Maastricht, Radboudumc and MUMC+
Classification: Likely benign. Review status: no assertion criteria provided. Collection method: clinical testing. Allele origin: germline. Affected: yes. Study: VKGL Data-share Consensus. Not counted in ClinVar's aggregate classification.